The following is an entry in ClinVar:

NM_020821.3(VPS13C):c.7845T>G (p.Leu2615=)

Gene: VPS13C (vacuolar protein sorting 13 homolog C; minus strand). Cytogenetic location: 15q22.2.
Variant type: single nucleotide variant.
Coding change: c.7845T>G on transcript NM_020821.3 (MANE Select); coding-DNA position 7845, T replaced by G.
Protein change: p.Leu2615=; no amino-acid change (leucine 2615 retained).
Molecular consequence: synonymous variant.
Genome position (GRCh38, 1-based): chr15:61,917,551, A>C on the plus strand (T>G on the coding strand, the complement: VPS13C is on the minus strand). VCF-style: chr15-61917551-A-C. GRCh37 (hg19) VCF-style: chr15-62209750-A-C.
Other names: c.7845T>G, p.Leu2615= (NM_001018088.3); c.7716T>G, p.Leu2572= (NM_017684.5, NM_018080.4).
Identifiers: ClinVar variation 1610354 (VCV001610354.12), dbSNP rs777552846, ClinGen allele CA7595134.

ClinVar aggregate classification (germline): Likely benign. Review status: criteria provided, multiple submitters, no conflicts (2 of 4 stars). 2 submissions from 2 submitters: Likely benign (2). Last evaluated 2026-03-01.

Allele frequency attached by ClinVar (database versions not stated): TOPMed 0.00001; gnomAD 0.00003; ExAC 0.00011.
gnomAD v4.1: 231 of 1,613,878 alleles (0.014%); highest among the groups gnomAD compares: East Asian, 0.51%; no homozygotes.

Submissions (2):

CeGaT Center for Human Genetics Tuebingen
Classification: Likely benign. Last evaluated: 2026-03-01. Review status: criteria provided, single submitter. Criteria: CeGaT Center For Human Genetics Tuebingen Variant Classification Criteria Version 2. Collection method: clinical testing. Allele origin: germline. Affected: yes. Observed: 1 variant allele.
Comment: VPS13C: BP4, BP7

Labcorp Genetics (formerly Invitae), Labcorp
Classification: Likely benign. Last evaluated: 2024-03-12. Review status: criteria provided, single submitter. Criteria: Invitae Variant Classification Sherloc (09022015). Collection method: clinical testing. Allele origin: germline.